The following is an entry in ClinVar:

ClinVar aggregate classification (germline): Pathogenic (1 of 4 stars; one submission).

Conditions:
Megaconial type congenital muscular dystrophy (MDCMC). Also called: CHKB-Related Muscular Dystrophy; CHKB-Related Muscle Diseases; MUSCULAR DYSTROPHY, CONGENITAL, WITH MITOCHONDRIAL STRUCTURAL ABNORMALITIES. Identifiers: Orphanet 280671, MedGen C1865233, MONDO:0011246, OMIM 602541.

Submission:

Labcorp Genetics (formerly Invitae), Labcorp
Classification: Pathogenic for Megaconial type congenital muscular dystrophy. Last evaluated: 2020-12-21. Review status: criteria provided, single submitter. Criteria: Invitae Variant Classification Sherloc (09022015). Collection method: clinical testing. Allele origin: germline.
Comment: For these reasons, this variant has been classified as Pathogenic. Algorithms developed to predict the effect of sequence changes on RNA splicing suggest that this variant may create or strengthen a splice site, but this prediction has not been confirmed by published transcriptional studies. This variant has not been reported in the literature in individuals with CHKB-related conditions. This variant is not present in population databases (ExAC no frequency). This sequence change creates a premature translational stop signal (p.Gln309*) in the CHKB gene. It is expected to result in an absent or disrupted protein product. Loss-of-function variants in CHKB are known to be pathogenic (PMID: 21665002).

Literature cited by the submitters: PubMed 21665002.

NM_005198.5(CHKB):c.925C>T (p.Gln309Ter)

Genes: CHKB-CPT1B (CHKB-CPT1B readthrough (NMD candidate); minus strand), CHKB (choline kinase beta; minus strand). Cytogenetic location: 22q13.33.
Variant type: single nucleotide variant.
Coding change: c.925C>T on transcript NM_005198.5 (MANE Select); coding-DNA position 925, C replaced by T.
Protein change: p.Gln309Ter; replaces glutamine 309 with a stop codon.
Molecular consequence: nonsense. On other transcripts: non-coding transcript variant (1).
Genome position (GRCh38, 1-based): chr22:50,579,976, G>A on the plus strand (C>T on the coding strand, the complement: CHKB is on the minus strand). VCF-style: chr22-50579976-G-A. GRCh37 (hg19) VCF-style: chr22-51018405-G-A.
Other names: short protein forms Q309*.
Identifiers: ClinVar variation 1452176 (VCV001452176.6), dbSNP rs139059552, ClinGen allele CA412195331.
Genomic context (GRCh38, chr22:50,579,976, plus strand): 5'-TCCACCTCCCTCCTTCCTCACAGGATGGGTCCTGCTCCCCAGCCTCTGGCCCACATACCT[G>A]CTGTTCTTGAGTGGGGTAGTCTGTGGGCCTTGCTTTGTAGAAAGGCCATTCCTCGTGAGT-3'